The following is an entry in ClinVar:

NM_006996.3(SLC19A2):c.543A>T (p.Ser181=)

Gene: SLC19A2 (solute carrier family 19 member 2; minus strand). Cytogenetic location: 1q24.2.
Variant type: single nucleotide variant.
Coding change: c.543A>T on transcript NM_006996.3 (MANE Select); coding-DNA position 543, A replaced by T.
Protein change: p.Ser181=; no amino-acid change (serine 181 retained).
Molecular consequence: synonymous variant. On other transcripts: intron variant (1).
Genome position (GRCh38, 1-based): chr1:169,477,419, T>A on the plus strand (A>T on the coding strand, the complement: SLC19A2 is on the minus strand). VCF-style: chr1-169477419-T-A. GRCh37 (hg19) VCF-style: chr1-169446657-T-A.
Other names: c.543A>T (NM_006996.2); c.205-7233A>T (NM_001319667.1).
Identifiers: ClinVar variation 2962826 (VCV002962826.5), dbSNP rs536167730, ClinGen allele CA1233054.

ClinVar aggregate classification (germline): Likely benign. Review status: criteria provided, multiple submitters, no conflicts (2 of 4 stars). 2 submissions from 2 submitters: Likely benign (2). Last evaluated 2026-02-06.

Conditions:
SLC19A2-related disorder. Also called: SLC19A2-related condition.

Allele frequency attached by ClinVar (database versions not stated): gnomAD exomes below 0.00001; TOPMed below 0.00001; gnomAD 0.00001; ExAC 0.00002; 1000 Genomes Project 30x 0.00016; 1000 Genomes Project 0.00020.
gnomAD v4.1: 9 of 1,614,168 alleles (0.00056%); highest among the groups gnomAD compares: East Asian, 0.018%; no homozygotes.

Submissions (3):

PreventionGenetics, part of Exact Sciences
Classification: Likely benign for SLC19A2-related condition. Last evaluated: 2026-02-06. Review status: criteria provided, single submitter. Criteria: ACMG Guidelines, 2015. Collection method: clinical testing. Allele origin: germline.
Comment: This variant is classified as likely benign based on ACMG/AMP sequence variant interpretation guidelines (Richards et al. 2015 PMID: 25741868, with internal and published modifications).

Labcorp Genetics (formerly Invitae), Labcorp
Classification: Likely benign. Last evaluated: 2025-03-03. Review status: criteria provided, single submitter. Criteria: Invitae Variant Classification Sherloc (09022015). Collection method: clinical testing. Allele origin: germline.

Dr. Peter K. Rogan Lab, Western University
No classification provided (evidence only). Condition: Gastric cancer. Review status: no classification provided. Collection method: in vitro. Allele origin: not applicable. Functional consequence: skipped exon, retained intron. Not counted in ClinVar's aggregate classification.